The following is an entry in ClinVar:

ClinVar aggregate classification (germline): Uncertain significance (1 of 4 stars; one submission).

Submission:

GeneDx
Classification: Uncertain significance. Last evaluated: 2021-06-18. Review status: criteria provided, single submitter. Criteria: GeneDx Variant Classification Process June 2021. Collection method: clinical testing. Allele origin: germline. Affected: yes.
Comment: Has not been previously published as pathogenic or benign to our knowledge; Not observed at significant frequency in large population cohorts (Lek et al., 2016); In silico analysis supports that this missense variant does not alter protein structure/function; This variant is associated with the following publications: (PMID: 27535533)

NM_013275.6(ANKRD11):c.5999T>G (p.Leu2000Arg)

Gene: ANKRD11 (ankyrin repeat domain containing 11; minus strand). Cytogenetic location: 16q24.3.
Variant type: single nucleotide variant.
Coding change: c.5999T>G on transcript NM_013275.6 (MANE Select); coding-DNA position 5999, T replaced by G.
Protein change: p.Leu2000Arg; replaces leucine 2000 with arginine.
Molecular consequence: missense variant.
Genome position (GRCh38, 1-based): chr16:89,280,543, A>C on the plus strand (T>G on the coding strand, the complement: ANKRD11 is on the minus strand). VCF-style: chr16-89280543-A-C. GRCh37 (hg19) VCF-style: chr16-89346951-A-C.
Other names: c.5999T>G, p.Leu2000Arg (NM_001256182.2, NM_001256183.2); short protein forms L2000R.
Identifiers: ClinVar variation 1328863 (VCV001328863.2), dbSNP rs2151740113, ClinGen allele CA397152261.